The following is an entry in ClinVar:

ClinVar aggregate classification (germline): Conflicting classifications of pathogenicity. Review status: criteria provided, conflicting classifications (1 of 4 stars). 3 submissions from 3 submitters: Uncertain significance (2); Likely benign (1). Last evaluated 2025-10-07.

Conditions:
Renal cell carcinoma. Identifiers: Orphanet 217071, MedGen C0007134, MeSH D002292, MONDO:0005086, HP:0005584.
Hereditary cancer-predisposing syndrome. Also called: Neoplastic Syndromes, Hereditary; Tumor predisposition; Hereditary Cancer Syndrome; Hereditary neoplastic syndrome. Identifiers: Orphanet 140162, MedGen C0027672, MeSH D009386, MONDO:0015356.

Allele frequency attached by ClinVar (database versions not stated): TOPMed 0.00005; ESP Exome Variant Server 0.00008.
gnomAD v4.1: 13 of 1,613,966 alleles (0.00081%); highest among the groups gnomAD compares: Non-Finnish European, 0.0011%; no homozygotes.

Submissions (3):

Labcorp Genetics (formerly Invitae), Labcorp
Classification: Uncertain significance for Renal cell carcinoma. Last evaluated: 2025-10-07. Review status: criteria provided, single submitter. Criteria: Invitae Variant Classification Sherloc (09022015). Collection method: clinical testing. Allele origin: germline.
Comment: This sequence change replaces threonine, which is neutral and polar, with serine, which is neutral and polar, at codon 273 of the MET protein (p.Thr273Ser). This variant is present in population databases (rs368144654, gnomAD 0.002%). This variant has not been reported in the literature in individuals affected with MET-related conditions. ClinVar contains an entry for this variant (Variation ID: 188257). Invitae Evidence Modeling of protein sequence and biophysical properties (such as structural, functional, and spatial information, amino acid conservation, physicochemical variation, residue mobility, and thermodynamic stability) indicates that this missense variant is not expected to disrupt MET protein function with a negative predictive value of 80%. In summary, the available evidence is currently insufficient to determine the role of this variant in disease. Therefore, it has been classified as a Variant of Uncertain Significance.

GeneDx
Classification: Uncertain significance. Last evaluated: 2024-06-26. Review status: criteria provided, single submitter. Criteria: GeneDx Variant Classification Process June 2021. Collection method: clinical testing. Allele origin: germline. Affected: yes.
Comment: Not observed at significant frequency in large population cohorts (gnomAD); In silico analysis indicates that this missense variant does not alter protein structure/function; Has not been previously published as pathogenic or benign to our knowledge

Ambry Genetics
Classification: Likely benign for Hereditary cancer-predisposing syndrome. Last evaluated: 2024-04-04. Review status: criteria provided, single submitter. Criteria: Ambry Variant Classification Scheme 2023. Collection method: clinical testing. Allele origin: germline.

NM_000245.4(MET):c.818C>G (p.Thr273Ser)

Gene: MET (MET proto-oncogene, receptor tyrosine kinase; plus strand). Cytogenetic location: 7q31.2.
Variant type: single nucleotide variant.
Coding change: c.818C>G on transcript NM_000245.4 (MANE Select); coding-DNA position 818, C replaced by G.
Protein change: p.Thr273Ser; replaces threonine 273 with serine.
Molecular consequence: missense variant. On other transcripts: intron variant (1).
Genome position (GRCh38, 1-based): chr7:116,699,902, C>G. VCF-style: chr7-116699902-C-G. GRCh37 (hg19) VCF-style: chr7-116339956-C-G.
Other names: c.818C>G, p.Thr273Ser (NM_001127500.3, NM_001324401.3); c.-91+27325C>G (NM_001324402.2); short protein forms T273S.
Identifiers: ClinVar variation 188257 (VCV000188257.14), dbSNP rs368144654, ClinGen allele CA334456.